The following is an entry in ClinVar:

NM_001012720.2(RGR):c.513-1G>A

Gene: RGR (retinal G protein coupled receptor; plus strand). Cytogenetic location: 10q23.1.
Variant type: single nucleotide variant.
Coding change: c.513-1G>A on transcript NM_001012720.2 (MANE Select); the canonical splice acceptor site of the intron before coding-DNA position 513, G replaced by A.
Molecular consequence: splice acceptor variant.
Genome position (GRCh38, 1-based): chr10:84,254,325, G>A. VCF-style: chr10-84254325-G-A. GRCh37 (hg19) VCF-style: chr10-86014081-G-A.
Other names: c.525-1G>A (NM_002921.4); c.513-1G>A (NM_001012722.2).
Identifiers: ClinVar variation 2033173 (VCV002033173.4), dbSNP rs2492642048, ClinGen allele CA377391767.

ClinVar aggregate classification (germline): Uncertain significance (1 of 4 stars; one submission).

Submission:

Labcorp Genetics (formerly Invitae), Labcorp
Classification: Uncertain significance. Last evaluated: 2022-10-06. Review status: criteria provided, single submitter. Criteria: Invitae Variant Classification Sherloc (09022015). Collection method: clinical testing. Allele origin: germline.
Comment: Algorithms developed to predict the effect of sequence changes on RNA splicing suggest that this variant may disrupt the consensus splice site. In summary, the available evidence is currently insufficient to determine the role of this variant in disease. Therefore, it has been classified as a Variant of Uncertain Significance. This variant has not been reported in the literature in individuals affected with RGR-related conditions. This variant is not present in population databases (gnomAD no frequency). This sequence change affects an acceptor splice site in intron 4 of the RGR gene. It is expected to disrupt RNA splicing. Variants that disrupt the donor or acceptor splice site typically lead to a loss of protein function (PMID: 16199547), however the current clinical and genetic evidence is not sufficient to establish whether loss-of-function variants in RGR cause disease.

Literature cited by the submitters: PubMed 16199547.